The following is an entry in ClinVar:

ClinVar aggregate classification (germline): Likely benign. Review status: criteria provided, multiple submitters, no conflicts (2 of 4 stars). 2 submissions from 2 submitters: Likely benign (2). Last evaluated 2024-04-03.

Conditions:
Fanconi anemia (FA). Also called: Fanconi's anemia. Identifiers: Orphanet 84, MedGen C0015625, MeSH D005199, MONDO:0019391.

Allele frequency attached by ClinVar (database versions not stated): ExAC 0.00002; gnomAD exomes 0.00002.
gnomAD v4.1: 32 of 1,614,164 alleles (0.002%); highest among the groups gnomAD compares: Admixed American, 0.0033%; no homozygotes.

Submissions (2):

Labcorp Genetics (formerly Invitae), Labcorp
Classification: Likely benign for Fanconi anemia. Last evaluated: 2024-04-03. Review status: criteria provided, single submitter. Criteria: Invitae Variant Classification Sherloc (09022015). Collection method: clinical testing. Allele origin: germline.

CeGaT Center for Human Genetics Tuebingen
Classification: Likely benign. Last evaluated: 2022-07-01. Review status: criteria provided, single submitter. Criteria: CeGaT Center For Human Genetics Tuebingen Variant Classification Criteria Version 2. Collection method: clinical testing. Allele origin: germline. Affected: yes. Observed: 1 variant allele.
Comment: SLX4: BP4, BP7

NM_032444.4(SLX4):c.3471G>A (p.Ser1157=)

Gene: SLX4 (SLX4 structure-specific endonuclease subunit; minus strand). Cytogenetic location: 16p13.3.
Variant type: single nucleotide variant.
Coding change: c.3471G>A on transcript NM_032444.4 (MANE Select); coding-DNA position 3471, G replaced by A.
Protein change: p.Ser1157=; no amino-acid change (serine 1157 retained).
Molecular consequence: synonymous variant.
Genome position (GRCh38, 1-based): chr16:3,590,167, C>T on the plus strand (G>A on the coding strand, the complement: SLX4 is on the minus strand). VCF-style: chr16-3590167-C-T. GRCh37 (hg19) VCF-style: chr16-3640168-C-T.
Identifiers: ClinVar variation 944196 (VCV000944196.33), dbSNP rs748090102, ClinGen allele CA7865915.
Genomic context (GRCh38, chr16:3,590,167, plus strand): 5'-TTCCAGAGGATCACTAGAAATGGACTTCATTTTGGTTTGTTCTAGCTCCAGCTCCTCATC[C>T]GAGTCCAGTAAGAGGATGACCTCATCTTCTTCGTTCAGTTTGGATGAAGATTTCTGAGAT-3'
Protein context (NP_115820.2, residues 1147-1167): EEDEVILLLD[Ser1157=]DEELELEQTK